The following is an entry in ClinVar:

ClinVar aggregate classification (germline): Likely benign (1 of 4 stars; one submission).

Allele frequency attached by ClinVar (database versions not stated): gnomAD exomes below 0.00001.
gnomAD v4.1: 2 of 1,568,990 alleles (0.00013%); highest among the groups gnomAD compares: East Asian, 0.0024%; no homozygotes.

Submission:

GeneDx
Classification: Likely benign. Last evaluated: 2017-05-25. Review status: criteria provided, single submitter. Criteria: GeneDx Variant Classification (06012015). Collection method: clinical testing. Allele origin: germline. Affected: yes.
Comment: This variant is considered likely benign or benign based on one or more of the following criteria: it is a conservative change, it occurs at a poorly conserved position in the protein, it is predicted to be benign by multiple in silico algorithms, and/or has population frequency not consistent with disease.

NM_003978.5(PSTPIP1):c.839-4G>A

Gene: PSTPIP1 (proline-serine-threonine phosphatase interacting protein 1; plus strand). Cytogenetic location: 15q24.3.
Variant type: single nucleotide variant.
Coding change: c.839-4G>A on transcript NM_003978.5 (MANE Select); 4 bases into the intron before coding-DNA position 839, G replaced by A.
Molecular consequence: intron variant.
Genome position (GRCh38, 1-based): chr15:77,032,858, G>A. VCF-style: chr15-77032858-G-A. GRCh37 (hg19) VCF-style: chr15-77325199-G-A.
Other names: c.839-4G>A (LRG_172t1); c.1034-4G>A (NM_001321137.1); c.812-4G>A (NM_001321136.2); c.872+430G>A (NM_001321135.2).
Identifiers: ClinVar variation 509755 (VCV000509755.1), dbSNP rs1367241638, ClinGen allele CA619193367.
Genomic context (GRCh38, chr15:77,032,858, plus strand): 5'-AGTCTGGCAGGGCCAGAATGGGGTGTTGGGGGCCGCCCTGGGGCTCACGGCTTGCTGTCT[G>A]CAGCTCCGGTGCCCTACCAGAACTATTACGATCGGGAGGTCACCCCGCTGACCAGCAGCC-3'